The following is an entry in ClinVar:

ClinVar aggregate classification (germline): Likely benign. Review status: criteria provided, multiple submitters, no conflicts (2 of 4 stars). 3 submissions from 3 submitters: Likely benign (3). Last evaluated 2025-04-28.

Allele frequency attached by ClinVar (database versions not stated): gnomAD 0.00002; ExAC 0.00003; TOPMed 0.00003; gnomAD exomes 0.00006.

Submissions (3):

Labcorp Genetics (formerly Invitae), Labcorp
Classification: Likely benign. Last evaluated: 2025-04-28. Review status: criteria provided, single submitter. Criteria: Invitae Variant Classification Sherloc (09022015). Collection method: clinical testing. Allele origin: germline.

Mayo Clinic Laboratories, Mayo Clinic
Classification: Likely benign. Last evaluated: 2025-03-10. Review status: criteria provided, single submitter. Criteria: ACMG Guidelines, 2015. Collection method: clinical testing. Allele origin: germline. Observed: 1 variant allele.
Comment: BP4, BP7

CeGaT Center for Human Genetics Tuebingen
Classification: Likely benign. Last evaluated: 2022-05-01. Review status: criteria provided, single submitter. Criteria: CeGaT Center For Human Genetics Tuebingen Variant Classification Criteria Version 2. Collection method: clinical testing. Allele origin: germline. Affected: yes. Observed: 1 variant allele.
Comment: CNTNAP1: BP4, BP7

NM_003632.3(CNTNAP1):c.3210C>T (p.Pro1070=)

Gene: CNTNAP1 (contactin associated protein 1; plus strand). Cytogenetic location: 17q21.2.
Variant type: single nucleotide variant.
Coding change: c.3210C>T on transcript NM_003632.3 (MANE Select); coding-DNA position 3210, C replaced by T.
Protein change: p.Pro1070=; no amino-acid change (proline 1070 retained).
Molecular consequence: synonymous variant.
Genome position (GRCh38, 1-based): chr17:42,695,738, C>T. VCF-style: chr17-42695738-C-T. GRCh37 (hg19) VCF-style: chr17-40847756-C-T.
Other names: p.Pro1070=.
Identifiers: ClinVar variation 2152572 (VCV002152572.29), dbSNP rs749624700, ClinGen allele CA8582261.